The following is an entry in ClinVar:

NM_001144958.2(CRACR2A):c.1019C>T (p.Ala340Val)

Gene: CRACR2A (calcium release activated channel regulator 2A; minus strand). Cytogenetic location: 12p13.32.
Variant type: single nucleotide variant.
Coding change: c.1019C>T on transcript NM_001144958.2 (MANE Select); coding-DNA position 1019, C replaced by T.
Protein change: p.Ala340Val; replaces alanine 340 with valine.
Molecular consequence: missense variant.
Genome position (GRCh38, 1-based): chr12:3,654,239, G>A on the plus strand (C>T on the coding strand, the complement: CRACR2A is on the minus strand). VCF-style: chr12-3654239-G-A. GRCh37 (hg19) VCF-style: chr12-3763405-G-A.
Other names: c.1019C>T, p.Ala340Val (NM_032680.4); short protein forms A340V.
Identifiers: ClinVar variation 1703063 (VCV001703063.3), dbSNP rs2497768762, ClinGen allele CA383410455.

ClinVar aggregate classification (germline): Uncertain significance (1 of 4 stars; one submission).

Submission:

Greenwood Genetic Center Diagnostic Laboratories, Greenwood Genetic Center
Classification: Uncertain significance. Last evaluated: 2022-05-23. Review status: criteria provided, single submitter. Criteria: ACMG Guidelines, 2015. Collection method: clinical testing. Allele origin: germline. Affected: yes.
Comment: Gene of Uncertain Significance